The following is an entry in ClinVar:

NM_014043.4(CHMP2B):c.82A>G (p.Ile28Val)

Gene: CHMP2B (charged multivesicular body protein 2B; plus strand). Cytogenetic location: 3p11.2.
Variant type: single nucleotide variant.
Coding change: c.82A>G on transcript NM_014043.4 (MANE Select); coding-DNA position 82, A replaced by G.
Protein change: p.Ile28Val; replaces isoleucine 28 with valine.
Molecular consequence: missense variant. On other transcripts: intron variant (1).
Genome position (GRCh38, 1-based): chr3:87,240,746, A>G. VCF-style: chr3-87240746-A-G. GRCh37 (hg19) VCF-style: chr3-87289896-A-G.
Other names: c.178A>G, p.Ile60Val (NM_001410777.1); c.4-4968A>G (NM_001244644.2); short protein forms I60V, I28V.
Identifiers: ClinVar variation 2933601 (VCV002933601.3), dbSNP rs1706102387, ClinGen allele CA353696629.

ClinVar aggregate classification (germline): Uncertain significance (1 of 4 stars; one submission).

Conditions:
Frontotemporal dementia and/or amyotrophic lateral sclerosis 7 (FTDALS7). Also called: CHMP2B-related frontotemporal dementia; AMYOTROPHIC LATERAL SCLEROSIS, CHMP2B-RELATED; Amyotrophic lateral sclerosis 17; CHMP2B-Related Frontotemporal Dementia-Amyotrophic Lateral Sclerosis. Identifiers: Orphanet 275864, Orphanet 282, Orphanet 803, MedGen C1833296, MONDO:0010936, OMIM 600795.

Allele frequency attached by ClinVar (database versions not stated): TOPMed below 0.00001.
gnomAD v4.1: 1 of 1,613,784 alleles (0.000062%); highest among the groups gnomAD compares: East Asian, 0.0022%; no homozygotes.

Submission:

Labcorp Genetics (formerly Invitae), Labcorp
Classification: Uncertain significance for Frontotemporal dementia and/or amyotrophic lateral sclerosis 7. Last evaluated: 2023-08-17. Review status: criteria provided, single submitter. Criteria: Invitae Variant Classification Sherloc (09022015). Collection method: clinical testing. Allele origin: germline.
Comment: This sequence change replaces isoleucine, which is neutral and non-polar, with valine, which is neutral and non-polar, at codon 28 of the CHMP2B protein (p.Ile28Val). This variant is not present in population databases (gnomAD no frequency). In summary, the available evidence is currently insufficient to determine the role of this variant in disease. Therefore, it has been classified as a Variant of Uncertain Significance. An algorithm developed to predict the effect of missense changes on protein structure and function (PolyPhen-2) suggests that this variant is likely to be tolerated. This variant has not been reported in the literature in individuals affected with CHMP2B-related conditions.